The following is an entry in ClinVar:

ClinVar aggregate classification (germline): Benign. Review status: criteria provided, multiple submitters, no conflicts (2 of 4 stars). 2 submissions from 2 submitters: Benign (2). Last evaluated 2017-09-28.

Allele frequency attached by ClinVar (database versions not stated): ESP Exome Variant Server 0.02032; TOPMed 0.02197; gnomAD 0.02340 and 0.02519; gnomAD exomes 0.02746 and 0.03205; 1000 Genomes Project 30x 0.03217; 1000 Genomes Project 0.03315; ExAC 0.03507.
gnomAD v4.1: 43,425 of 1,599,206 alleles (2.7%); highest among the groups gnomAD compares: South Asian, 6.5%; 791 homozygotes.

Submissions (2):

GeneDx
Classification: Benign. Last evaluated: 2017-09-28. Review status: criteria provided, single submitter. Criteria: GeneDx Variant Classification (06012015). Collection method: clinical testing. Allele origin: germline. Affected: yes.
Comment: This variant is considered likely benign or benign based on one or more of the following criteria: it is a conservative change, it occurs at a poorly conserved position in the protein, it is predicted to be benign by multiple in silico algorithms, and/or has population frequency not consistent with disease.

Breakthrough Genomics
Classification: Benign. Review status: criteria provided, single submitter. Criteria: ACMG Guidelines, 2015. Collection method: not provided. Allele origin: germline. Inheritance: Autosomal recessive inheritance. Affected: yes.

NM_018429.3(BDP1):c.5916C>A (p.Ile1972=)

Gene: BDP1 (BDP1 general transcription factor IIIB subunit; plus strand). Cytogenetic location: 5q13.2.
Variant type: single nucleotide variant.
Coding change: c.5916C>A on transcript NM_018429.3 (MANE Select); coding-DNA position 5916, C replaced by A.
Protein change: p.Ile1972=; no amino-acid change (isoleucine 1972 retained).
Molecular consequence: synonymous variant.
Genome position (GRCh38, 1-based): chr5:71,539,065, C>A. VCF-style: chr5-71539065-C-A. GRCh37 (hg19) VCF-style: chr5-70834892-C-A.
Identifiers: ClinVar variation 508602 (VCV000508602.2), dbSNP rs35131626, ClinGen allele CA3297078.
Genomic context (GRCh38, chr5:71,539,065, plus strand): 5'-AGTATTTTAAGATGTTACTTATTTTTTTCCTTTTTAGGAAATGACCACAAGTGAACATAT[C>A]CAAGATGAACCAGGTAACTGTTATCAAGGAAACTGCTAAGACTACCTTGATTAACACTAG-3'
Protein context (NP_060899.2, residues 1962-1982): VPFEMTTSEH[Ile1972=]QDEPGTNDGS